The following is an entry in ClinVar:

NM_001165963.4(SCN1A):c.5139C>G (p.Ser1713Arg)

Genes: SCN1A (sodium voltage-gated channel alpha subunit 1; minus strand), LOC102724058 (uncharacterized LOC102724058; plus strand). Cytogenetic location: 2q24.3.
Variant type: single nucleotide variant.
Coding change: c.5139C>G on transcript NM_001165963.4 (MANE Select); coding-DNA position 5139, C replaced by G.
Protein change: p.Ser1713Arg; replaces serine 1713 with arginine.
Molecular consequence: missense variant. On other transcripts: non-coding transcript variant (1).
Genome position (GRCh38, 1-based): chr2:165,992,136, G>C on the plus strand (C>G on the coding strand, the complement: SCN1A is on the minus strand). VCF-style: chr2-165992136-G-C. GRCh37 (hg19) VCF-style: chr2-166848646-G-C.
Other names: p.Ser1713Arg; c.5055C>G, p.Ser1685Arg (NM_001165964.3, NM_001353957.2, NM_001353958.2); c.5139C>G, p.Ser1713Arg (NM_001202435.3, NM_001353948.2); c.5106C>G, p.Ser1702Arg (NM_001353949.2, NM_001353950.2, NM_001353951.2 and 2 more transcripts); c.5103C>G, p.Ser1701Arg (NM_001353954.2, NM_001353955.2); c.5052C>G, p.Ser1684Arg (NM_001353960.2); c.2697C>G, p.Ser899Arg (NM_001353961.2); short protein forms S1684R, S1685R, S1701R, S1702R, S1713R, S899R.
Identifiers: ClinVar variation 3380952 (VCV003380952.1).
Genomic context (GRCh38, chr2:165,992,136, plus strand): 5'-AATGGGTGCTAGCAATCCATCCCAGCCAGCAGAGGTTGTAATTTGGAATAGGCAGATCAT[G>C]CTGTTGCCAAAGGTCTCAAAGTTGAACATGTCATCGATCCCAACTTCCCTCTTAACATAG-3'
Protein context (NP_001159435.1, residues 1703-1723): DMFNFETFGN[Ser1713Arg]MICLFQITTS

ClinVar aggregate classification (germline): Likely pathogenic (1 of 4 stars; one submission).

Submission:

Mayo Clinic Laboratories, Mayo Clinic
Classification: Likely pathogenic. Last evaluated: 2023-10-11. Review status: criteria provided, single submitter. Criteria: ACMG Guidelines, 2015. Collection method: clinical testing. Allele origin: germline. Observed: 1 variant allele.
Comment: PP2, PP3, PM2_moderate, PM5